The following is an entry in ClinVar:

NM_144508.5(KNL1):c.4428TAT[1] (p.Ile1478del)

Gene: KNL1 (kinetochore scaffold 1; plus strand). Cytogenetic location: 15q15.1.
Variant type: Microsatellite.
Coding change: c.4428TAT[1] on transcript NM_144508.5 (MANE Select); one copy of the 3-base unit TAT starting at c.4428; the reference has two copies in a row; one copy, 3 bases deleted.
Protein change: p.Ile1478del; deletes isoleucine 1478.
Molecular consequence: inframe deletion.
Genome position (GRCh38, 1-based): chr15:40,624,695-40,624,697, TAT deleted; deleting any 3 consecutive bases within chr15:40,624,692-40,624,697 gives the same sequence; the position shown is the placement nearest the transcript's 3' end. VCF-style (leftmost placement, unchanged base first): chr15-40624691-ATAT-A. GRCh37 (hg19) VCF-style: chr15-40916889-ATAT-A.
Other names: c.4506TAT[1], p.Ile1504del (NM_170589.5); c.4509_4511delTAT (NM_170589.3); c.4509_4511del (NM_170589.3); short protein forms I1504del, I1478del.
Identifiers: ClinVar variation 450906 (VCV000450906.3), dbSNP rs763671130, ClinGen allele CA7483173.
Genomic context (GRCh38, chr15:40,624,691, plus strand): 5'-GACAGAGTAGTATCAATAAAGAAGAAGTAATACTGTCTAAAGCTGGAAATAAGAGTTTAA[ATAT>A]TATAGAAAATTCCTCTGCACCCATATGTGAAAACAAGCCCAAAATACTCAATAGTGAGGA-3'

ClinVar aggregate classification (germline): Uncertain significance (1 of 4 stars; one submission).

Submission:

GeneDx
Classification: Uncertain significance. Last evaluated: 2025-01-14. Review status: criteria provided, single submitter. Criteria: GeneDx Variant Classification Process June 2021. Collection method: clinical testing. Allele origin: germline. Affected: yes.
Comment: In-frame deletion of 1 amino acid in a non-repeat region; In silico analysis indicates that this variant does not alter protein structure/function; Has not been previously published as pathogenic or benign to our knowledge